The following is an entry in ClinVar:

ClinVar aggregate classification (germline): Uncertain significance (1 of 4 stars; one submission).

Conditions:
Neonatal-onset encephalopathy with rigidity and seizures. Also called: Lethal neonatal spasticity-epileptic encephalopathy syndrome. Identifiers: Orphanet 435845, MedGen C3281029, MONDO:0013784, OMIM 614498.

Allele frequency attached by ClinVar (database versions not stated): TOPMed below 0.00001; gnomAD 0.00001; gnomAD exomes 0.00002.
gnomAD v4.1: 5 of 1,561,626 alleles (0.00032%); highest among the groups gnomAD compares: African/African-American, 0.0041%; no homozygotes.

Submission:

Labcorp Genetics (formerly Invitae), Labcorp
Classification: Uncertain significance for Neonatal-onset encephalopathy with rigidity and seizures. Last evaluated: 2022-08-16. Review status: criteria provided, single submitter. Criteria: Invitae Variant Classification Sherloc (09022015). Collection method: clinical testing. Allele origin: germline.
Comment: Algorithms developed to predict the effect of sequence changes on RNA splicing suggest that this variant may create or strengthen a splice site. In summary, the available evidence is currently insufficient to determine the role of this variant in disease. Therefore, it has been classified as a Variant of Uncertain Significance. Algorithms developed to predict the effect of missense changes on protein structure and function (SIFT, PolyPhen-2, Align-GVGD) all suggest that this variant is likely to be tolerated. ClinVar contains an entry for this variant (Variation ID: 1059792). This variant has not been reported in the literature in individuals affected with BRAT1-related conditions. The frequency data for this variant in the population databases is considered unreliable, as metrics indicate poor data quality at this position in the gnomAD database. This sequence change replaces alanine, which is neutral and non-polar, with valine, which is neutral and non-polar, at codon 334 of the BRAT1 protein (p.Ala334Val).

NM_152743.4(BRAT1):c.1001C>T (p.Ala334Val)

Gene: BRAT1 (BRCA1 associated ATM activator 1; minus strand). Cytogenetic location: 7p22.3.
Variant type: single nucleotide variant.
Coding change: c.1001C>T on transcript NM_152743.4 (MANE Select); coding-DNA position 1001, C replaced by T.
Protein change: p.Ala334Val; replaces alanine 334 with valine.
Molecular consequence: missense variant. On other transcripts: non-coding transcript variant (1).
Genome position (GRCh38, 1-based): chr7:2,542,134, G>A on the plus strand (C>T on the coding strand, the complement: BRAT1 is on the minus strand). VCF-style: chr7-2542134-G-A. GRCh37 (hg19) VCF-style: chr7-2581768-G-A.
Other names: c.1001C>T, p.Ala334Val (NM_001350626.2); c.476C>T, p.Ala159Val (NM_001350627.2); short protein forms A159V, A334V.
Identifiers: ClinVar variation 1059792 (VCV001059792.9), dbSNP rs968967278, ClinGen allele CA152667938.